The following is an entry in ClinVar:

ClinVar aggregate classification (germline): Uncertain significance (1 of 4 stars; one submission).

Conditions:
Parkinsonism with polyneuropathy. Identifiers: Orphanet 611237, MedGen C5543299, MONDO:0036193, OMIM 619279.

Submission:

Neuberg Centre For Genomic Medicine, NCGM
Classification: Uncertain significance for Parkinsonism with polyneuropathy. Last evaluated: 2024-02-01. Review status: criteria provided, single submitter. Criteria: ACMG Guidelines, 2015. Collection method: clinical testing. Allele origin: germline. Inheritance: Autosomal dominant inheritance.
Comment: The above variant has been reported previously in multiple individuals affected with cerebral arteriopathy with subcortical infarcts and leukoencephalopathy (Cho BPH, et al., 2021 Khan A, et al., 2020). It has also been observed to segregate with disease in related individuals. For these reasons, this variant has been classified as Pathogenic.

NM_003365.3(UQCRC1):c.91_108dup (p.Ala36_Thr37insAlaLeuArgSerThrAla)

Gene: UQCRC1 (ubiquinol-cytochrome c reductase core protein 1; minus strand). Cytogenetic location: 3p21.31.
Variant type: Duplication.
Coding change: c.91_108dup on transcript NM_003365.3 (MANE Select); coding-DNA positions 91 to 108, 18 bases duplicated (GCCTTGCGGAGTACGGCA).
Protein change: p.Ala36_Thr37insAlaLeuArgSerThrAla.
Molecular consequence: inframe insertion.
Genome position (GRCh38, 1-based): chr3:48,609,264-48,609,281, TGCCGTACTCCGCAAGGC duplicated on the plus strand (GCCTTGCGGAGTACGGCA on the coding strand, the reverse complement: UQCRC1 is on the minus strand); duplicating any 18 consecutive bases within chr3:48,609,264-48,609,283 gives the same sequence; the c. name uses the placement nearest the transcript's 3' end. VCF-style (leftmost placement, unchanged base first): chr3-48609263-T-TTGCCGTACTCCGCAAGGC. GRCh37 (hg19) VCF-style: chr3-48646696-T-TTGCCGTACTCCGCAAGGC.
Identifiers: ClinVar variation 3898003 (VCV003898003.1).